The following is an entry in ClinVar:

ClinVar aggregate classification (germline): Pathogenic (1 of 4 stars; one submission).

Conditions:
Leber congenital amaurosis 3 (LCA3). Also called: SPATA7-Related Retinitis Pigmentosa. Identifiers: MedGen C1858677, MONDO:0011415, OMIM 604232.

Submission:

Labcorp Genetics (formerly Invitae), Labcorp
Classification: Pathogenic for Leber congenital amaurosis 3. Last evaluated: 2020-08-26. Review status: criteria provided, single submitter. Criteria: Invitae Variant Classification Sherloc (09022015). Collection method: clinical testing. Allele origin: germline.
Comment: This variant is a gross deletion of the genomic region encompassing exon(s) 1 to 4 of the SPATA7 gene, which includes the initiator codon. The 5' end of this event is unknown as it extends beyond the assayed region for this gene and therefore may encompass additional genes. The 3' boundary is likely confined to intron 4 of the SPATA7 gene. This is expected to result in an absent or disrupted protein product. This variant has not been reported in the literature in individuals with SPATA7-related conditions. Loss-of-function variants in SPATA7 are known to be pathogenic (PMID: 19268277, 22334370, 23847139, 26047050, 26261414). For these reasons, this variant has been classified as Pathogenic.

Literature cited by the submitters: PubMed 19268277; PubMed 22334370; PubMed 23847139; PubMed 26047050; PubMed 26261414.

NC_000014.8:g.(?_88852163)_(88862567_?)del

Gene: SPATA7 (spermatogenesis associated 7; plus strand). Cytogenetic location: 14q31.3.
Variant type: Deletion.
Identifiers: ClinVar variation 1076992 (VCV001076992.5).